The following is an entry in ClinVar:

NM_000091.5(COL4A3):c.2294G>A (p.Gly765Glu)

Genes: MFF-DT (MFF divergent transcript; minus strand), COL4A3 (collagen type IV alpha 3 chain; plus strand). Cytogenetic location: 2q36.3.
Variant type: single nucleotide variant.
Coding change: c.2294G>A on transcript NM_000091.5 (MANE Select); coding-DNA position 2294, G replaced by A.
Protein change: p.Gly765Glu; replaces glycine 765 with glutamic acid.
Molecular consequence: missense variant.
Genome position (GRCh38, 1-based): chr2:227,280,510, G>A. VCF-style: chr2-227280510-G-A. GRCh37 (hg19) VCF-style: chr2-228145226-G-A.
Other names: short protein forms G765E.
Identifiers: ClinVar variation 3376618 (VCV003376618.1).

ClinVar aggregate classification (germline): Likely pathogenic (1 of 4 stars; one submission).

Conditions:
Alport syndrome. Also called: Hemorrhagic familial nephritis; Hemorrhagic hereditary nephritis; Congenital hereditary hematuria. Identifiers: Orphanet 63, MedGen C1567741, MONDO:0018965.

Submission:

Victorian Clinical Genetics Services, Murdoch Childrens Research Institute
Classification: Likely pathogenic for Alport syndrome. Last evaluated: 2023-07-16. Review status: criteria provided, single submitter. Criteria: ACMG Guidelines, 2015. Collection method: clinical testing. Allele origin: germline. Affected: yes.
Comment: Based on the classification scheme VCGS_Germline_v1.3.4, this variant is classified as Likely Pathogenic. Following criteria are met: 0103 - Dominant negative and loss of function are known mechanisms of disease in this gene and are associated with COL4A3-related nephropathy. Glycine changes that are part of a G-X-Y repeat in the triple helix of a collagen domain are known to have a dominant negative effect (PMID: 12028435). (I) 0108 - This gene is associated with both recessive (Alport syndrome 2 MIM#203780) and dominant disease (Alport syndrome 3 MIM#104200 and benign familial hematuria MIM#141200) (OMIM). (I) 0200 - Variant is predicted to result in a missense amino acid change from glycine to glutamic acid. (I) 0251 - This variant is heterozygous. (I) 0301 - Variant is absent from gnomAD (both v2 and v3). (SP) 0309 - An alternative amino acid change at the same position has been observed in gnomAD (v2) (1 heterozygote, 0 homozygotes). (I) 0501 - Missense variant consistently predicted to be damaging by multiple in silico tools or highly conserved with a major amino acid change. (SP) 0601 - Variant is located in the well-established functional glycine residue within a triple helical repeat (DECIPHER). (SP) 0705 - No comparable missense variants have previous evidence for pathogenicity. (I) 0807 - This variant has no previous evidence of pathogenicity. (I) 0905 - No published segregation evidence has been identified for this variant. (I) 1007 - No published functional evidence has been identified for this variant. (I) 1208 - Inheritance information for this variant is not currently available in this individual. (I) Legend: (SP) - Supporting pathogenic, (I) - Information, (SB) - Supporting benign

Literature cited by the submitters: PubMed 12028435.